The following is an entry in ClinVar:

NM_004006.3(DMD):c.3106C>G (p.Leu1036Val)

Gene: DMD (dystrophin; minus strand). Cytogenetic location: Xp21.1.
Variant type: single nucleotide variant.
Coding change: c.3106C>G on transcript NM_004006.3 (MANE Select); coding-DNA position 3106, C replaced by G.
Protein change: p.Leu1036Val; replaces leucine 1036 with valine.
Molecular consequence: missense variant.
Genome position (GRCh38, 1-based): chrX:32,468,554, G>C on the plus strand (C>G on the coding strand, the complement: DMD is on the minus strand). VCF-style: chrX-32468554-G-C. GRCh37 (hg19) VCF-style: chrX-32486671-G-C.
Other names: c.3082C>G, p.Leu1028Val (NM_000109.4); c.3094C>G, p.Leu1032Val (NM_004009.3); c.2737C>G, p.Leu913Val (NM_004010.3); short protein forms L1028V, L1036V, L1032V, L913V.
Identifiers: ClinVar variation 1959047 (VCV001959047.3), dbSNP rs1299331711, ClinGen allele CA412666858.

ClinVar aggregate classification (germline): Uncertain significance (1 of 4 stars; one submission).

Conditions:
Duchenne muscular dystrophy (DMD). Also called: MUSCULAR DYSTROPHY, PSEUDOHYPERTROPHIC PROGRESSIVE, DUCHENNE TYPE; Duchenne Muscular Dystrophy (DMD). Identifiers: Orphanet 98896, MedGen C0013264, MONDO:0010679, OMIM 310200.

Allele frequency attached by ClinVar (database versions not stated): gnomAD exomes below 0.00001.
gnomAD v4.1: 5 of 1,210,472 alleles (0.00041%); highest among the groups gnomAD compares: East Asian, 0.0089%; no homozygotes.

Submission:

Labcorp Genetics (formerly Invitae), Labcorp
Classification: Uncertain significance for Duchenne muscular dystrophy. Last evaluated: 2023-03-03. Review status: criteria provided, single submitter. Criteria: Invitae Variant Classification Sherloc (09022015). Collection method: clinical testing. Allele origin: germline.
Comment: Advanced modeling of protein sequence and biophysical properties (such as structural, functional, and spatial information, amino acid conservation, physicochemical variation, residue mobility, and thermodynamic stability) performed at Invitae indicates that this missense variant is not expected to disrupt DMD protein function. In summary, the available evidence is currently insufficient to determine the role of this variant in disease. Therefore, it has been classified as a Variant of Uncertain Significance. ClinVar contains an entry for this variant (Variation ID: 1959047). This sequence change replaces leucine, which is neutral and non-polar, with valine, which is neutral and non-polar, at codon 1036 of the DMD protein (p.Leu1036Val). This variant is present in population databases (no rsID available, gnomAD 0.008%). This variant has not been reported in the literature in individuals affected with DMD-related conditions.